The following is an entry in ClinVar:

ClinVar aggregate classification (germline): Likely pathogenic. Review status: criteria provided, multiple submitters, no conflicts (2 of 4 stars). 2 submissions from 2 submitters: Likely pathogenic (2). Last evaluated 2024-09-16.

Conditions:
Spondyloepiphyseal dysplasia with congenital joint dislocations (SEDCJD). Also called: Chondrodysplasia with Congenital Joint Dislocations, CHST3-Related. Identifiers: Orphanet 263463, MedGen C1837657, MONDO:0007738, OMIM 143095.

Allele frequency attached by ClinVar (database versions not stated): gnomAD exomes 0.00002 and 0.00004; ExAC 0.00005; 1000 Genomes Project 30x 0.00016; 1000 Genomes Project 0.00020; gnomAD 0.00001.
gnomAD v4.1: 12 of 1,601,480 alleles (0.00075%); highest among the groups gnomAD compares: Admixed American, 0.018%; no homozygotes.

Submissions (2):

Labcorp Genetics (formerly Invitae), Labcorp
Classification: Likely pathogenic for Spondyloepiphyseal dysplasia with congenital joint dislocations. Last evaluated: 2024-09-16. Review status: criteria provided, single submitter. Criteria: Invitae Variant Classification Sherloc (09022015). Collection method: clinical testing. Allele origin: germline.
Comment: This sequence change replaces glycine, which is neutral and non-polar, with serine, which is neutral and polar, at codon 253 of the CHST3 protein (p.Gly253Ser). This variant is present in population databases (rs200988207, gnomAD 0.03%). This missense change has been observed in individual(s) with clinical features of CHST3-related conditions (PMID: 36503918; internal data). In at least one individual the data is consistent with being in trans (on the opposite chromosome) from a pathogenic variant. It has also been observed to segregate with disease in related individuals. ClinVar contains an entry for this variant (Variation ID: 1377424). Invitae Evidence Modeling of protein sequence and biophysical properties (such as structural, functional, and spatial information, amino acid conservation, physicochemical variation, residue mobility, and thermodynamic stability) indicates that this missense variant is not expected to disrupt CHST3 protein function with a negative predictive value of 80%. In summary, the currently available evidence indicates that the variant is pathogenic, but additional data are needed to prove that conclusively. Therefore, this variant has been classified as Likely Pathogenic.

Juno Genomics, Hangzhou Juno Genomics, Inc
Classification: Likely pathogenic for Spondyloepiphyseal dysplasia with congenital joint dislocations. Review status: criteria provided, single submitter. Criteria: ACMG Guidelines, 2015. Collection method: clinical testing. Allele origin: germline.
Comment: Absent from controls (or at extremely low frequency if recessive) in Genome Aggregation Database.;Multiple lines of computational evidence support a deleterious effect on the gene or gene product.;For recessive disorders, detected in trans with a pathogenic variant.;Co-segregation with disease in multiple affected family members.;Patient's phenotype or family history is highly specific for a disease with a single genetic etiology.

Literature cited by the submitters: PubMed 36503918 (cited by Labcorp Genetics (formerly Invitae), Labcorp).

NM_004273.5(CHST3):c.757G>A (p.Gly253Ser)

Gene: CHST3 (carbohydrate sulfotransferase 3; plus strand). Cytogenetic location: 10q22.1.
Variant type: single nucleotide variant.
Coding change: c.757G>A on transcript NM_004273.5 (MANE Select); coding-DNA position 757, G replaced by A.
Protein change: p.Gly253Ser; replaces glycine 253 with serine.
Molecular consequence: missense variant.
Genome position (GRCh38, 1-based): chr10:72,007,788, G>A. VCF-style: chr10-72007788-G-A. GRCh37 (hg19) VCF-style: chr10-73767546-G-A.
Other names: short protein forms G253S.
Identifiers: ClinVar variation 1377424 (VCV001377424.8), dbSNP rs200988207, ClinGen allele CA5548159.